The following is an entry in ClinVar:

NM_001267550.2(TTN):c.24755A>T (p.Asp8252Val)

Gene: TTN (titin; minus strand). Cytogenetic location: 2q31.2.
Variant type: single nucleotide variant.
Coding change: c.24755A>T on transcript NM_001267550.2 (MANE Select); coding-DNA position 24755, A replaced by T.
Protein change: p.Asp8252Val; replaces aspartic acid 8252 with valine.
Molecular consequence: missense variant. On other transcripts: intron variant (3).
Genome position (GRCh38, 1-based): chr2:178,718,351, T>A on the plus strand (A>T on the coding strand, the complement: TTN is on the minus strand). VCF-style: chr2-178718351-T-A. GRCh37 (hg19) VCF-style: chr2-179583078-T-A.
Other names: c.23804A>T, p.Asp7935Val (NM_001256850.1); c.21023A>T, p.Asp7008Val (NM_133378.4); c.13282+19731A>T (NM_003319.4); c.13858+19731A>T (NM_133437.4); c.13657+19731A>T (NM_133432.3); short protein forms D7008V, D7935V, D8252V.
Identifiers: ClinVar variation 4070664 (VCV004070664.1).

ClinVar aggregate classification (germline): Uncertain significance (1 of 4 stars; one submission).

gnomAD v4.1: 1 of 1,613,696 alleles (0.000062%); highest among the groups gnomAD compares: Non-Finnish European, 0.000085%; no homozygotes.

Submission:

GeneDx
Classification: Uncertain significance. Last evaluated: 2025-01-10. Review status: criteria provided, single submitter. Criteria: GeneDx Variant Classification Process June 2021. Collection method: clinical testing. Allele origin: germline. Affected: yes.
Comment: Not observed at significant frequency in large population cohorts (gnomAD); Missense variant in a gene in which most reported pathogenic variants are truncating/loss of function; Has not been previously published as pathogenic or benign to our knowledge